The following is an entry in ClinVar:

NM_001244926.2(PRPF4):c.404T>C (p.Ile135Thr)

Gene: PRPF4 (pre-mRNA splicing tri-snRNP complex factor PRPF4; plus strand). Cytogenetic location: 9q32.
Variant type: single nucleotide variant.
Coding change: c.404T>C on transcript NM_001244926.2 (MANE Select); coding-DNA position 404, T replaced by C.
Protein change: p.Ile135Thr; replaces isoleucine 135 with threonine.
Molecular consequence: missense variant. On other transcripts: 5 prime UTR variant (2), non-coding transcript variant (2).
Genome position (GRCh38, 1-based): chr9:113,282,657, T>C. VCF-style: chr9-113282657-T-C. GRCh37 (hg19) VCF-style: chr9-116044937-T-C.
Other names: c.-362T>C (NM_001322266.2, NM_001322267.2); c.407T>C, p.Ile136Thr (NM_004697.5); short protein forms I136T, I135T.
Identifiers: ClinVar variation 4769142 (VCV004769142.1).
Genomic context (GRCh38, chr9:113,282,657, plus strand): 5'-ATTATCTCAACCATGTTTAAATTCTGATCTTTTTTTTTTTTTTTAACAGGTTAAGAAATA[T>C]CCTCTCAGTTGTCGGTACTGATGCCTTGAAAAAGACCAAAAAGGATGATGAGAAGTCTAA-3'
Protein context (NP_001231855.1, residues 125-145): PAERRERLRN[Ile135Thr]LSVVGTDALK

ClinVar aggregate classification (germline): Uncertain significance (1 of 4 stars; one submission).

gnomAD v4.1: 11 of 1,595,890 alleles (0.00069%); highest among the groups gnomAD compares: African/African-American, 0.0068%; no homozygotes.

Submission:

Labcorp Genetics (formerly Invitae), Labcorp
Classification: Uncertain significance. Last evaluated: 2025-05-05. Review status: criteria provided, single submitter. Criteria: Invitae Variant Classification Sherloc (09022015). Collection method: clinical testing. Allele origin: germline.
Comment: This sequence change replaces isoleucine, which is neutral and non-polar, with threonine, which is neutral and polar, at codon 136 of the PRPF4 protein (p.Ile136Thr). This variant is present in population databases (rs767091529, gnomAD 0.01%). This variant has not been reported in the literature in individuals affected with PRPF4-related conditions. An algorithm developed to predict the effect of missense changes on protein structure and function (PolyPhen-2) suggests that this variant is likely to be tolerated. In summary, the available evidence is currently insufficient to determine the role of this variant in disease. Therefore, it has been classified as a Variant of Uncertain Significance.